The following is an entry in ClinVar:

NC_000010.11:g.89215060CT[1]

Gene: LIPA (lipase A, lysosomal acid type; minus strand). Cytogenetic location: 10q23.31.
Variant type: Microsatellite.
Genome position: GRCh38 VCF-style: chr10-89215059-ACT-A. GRCh37 (hg19) VCF-style: chr10-90974816-ACT-A.
Identifiers: ClinVar variation 4081718 (VCV004081718.1).

ClinVar aggregate classification (germline): Pathogenic (1 of 4 stars; one submission).

Conditions:
Lysosomal acid lipase deficiency. Also called: Acid cholesteryl ester hydrolase deficiency, type 2. Identifiers: Orphanet 275761, MedGen C5574740, MONDO:0800449, MONDO:0010204.

Submission:

Myriad Genetics, Inc.
Classification: Pathogenic for Lysosomal acid lipase deficiency. Last evaluated: 2025-05-23. Review status: criteria provided, single submitter. Criteria: Myriad Autosomal Dominant, Autosomal Recessive and X-Linked Classification Criteria (2023). Collection method: clinical testing. Allele origin: unknown.
Comment: NM_000235.2(LIPA):c.967_968delAG(S323Lfs*44) is a frameshift variant classified as pathogenic in the context of lysosomal acid lipase deficiency. S323Lfs*44 has been observed in a case with relevant disease (PMID: 7751811). Relevant functional assessments of this variant are not available in the literature. S323Lfs*44 has not been observed in referenced population frequency databases. In summary, NM_000235.2(LIPA):c.967_968delAG(S323Lfs*44) is a frameshift variant in a gene where loss of function is a known mechanism of disease, is predicted to disrupt protein function, and has been observed more frequently in cases with the relevant disease than in healthy populations. Please note: this variant was assessed in the context of healthy population screening.

Literature cited by the submitters: PubMed 7751811.